The following is an entry in ClinVar:

NM_002294.3(LAMP2):c.929-1G>A

Gene: LAMP2 (lysosome associated membrane protein 2; minus strand). Cytogenetic location: Xq24.
Variant type: single nucleotide variant.
Coding change: c.929-1G>A on transcript NM_002294.3 (MANE Select); the canonical splice acceptor site of the intron before coding-DNA position 929, G replaced by A.
Molecular consequence: splice acceptor variant.
Genome position (GRCh38, 1-based): chrX:120,441,895, C>T on the plus strand (G>A on the coding strand, the complement: LAMP2 is on the minus strand). VCF-style: chrX-120441895-C-T. GRCh37 (hg19) VCF-style: chrX-119575750-C-T.
Other names: c.929-1G>A (NM_001122606.1, NM_013995.2).
Identifiers: ClinVar variation 177657 (VCV000177657.6), dbSNP rs727504262, ClinGen allele CA180584.

ClinVar aggregate classification (germline): Likely pathogenic. Review status: criteria provided, single submitter (1 of 4 stars). 2 submissions from 2 submitters: Likely pathogenic (1). 1 of the submissions does not count toward it. Last evaluated 2016-10-04.

Conditions:
Danon disease. Also called: LYSOSOMAL GLYCOGEN STORAGE DISEASE WITHOUT ACID MALTASE DEFICIENCY; Glycogen Storage Disease Type IIb; PSEUDOGLYCOGENOSIS II; GSD IIb; ANTOPOL DISEASE. Identifiers: Orphanet 34587, MedGen C0878677, MONDO:0010281, OMIM 300257.

Submissions (2):

Stanford Center for Inherited Cardiovascular Disease, Stanford University
Classification: Likely pathogenic. Last evaluated: 2016-10-04. Review status: criteria provided, single submitter. Criteria: ACMG Guidelines, 2015. Collection method: provider interpretation. Allele origin: germline.

Laboratory for Molecular Medicine, Mass General Brigham Personalized Medicine
Classification: Likely pathogenic for Danon disease. Last evaluated: 2013-02-11. Review status: no assertion criteria provided. Collection method: clinical testing. Allele origin: germline. Inheritance: X-linked inheritance. Observed: 1 variant allele. Not counted in ClinVar's aggregate classification.
Comment: proposed classification - variant undergoing re-assessment, contact laboratory

Literature cited by the submitters: PubMed 14598234 (cited by Laboratory for Molecular Medicine, Mass General Brigham Personalized Medicine).